The following is an entry in ClinVar:

NM_020338.4(ZMIZ1):c.870_914del (p.Ala291_Ala305del)

Gene: ZMIZ1 (zinc finger MIZ-type containing 1; plus strand). Cytogenetic location: 10q22.3.
Variant type: Deletion.
Coding change: c.870_914del on transcript NM_020338.4 (MANE Select); coding-DNA positions 870 to 914, 45 bases deleted.
Protein change: p.Ala291_Ala305del.
Molecular consequence: inframe deletion.
Genome position (GRCh38, 1-based): chr10:79,292,269-79,292,313, 45 bases deleted; deleting any 45 consecutive bases within chr10:79,292,261-79,292,313 gives the same sequence; the c. name uses the placement nearest the transcript's 3' end. GRCh37 (hg19): chr10:81,052,026-81,052,070.
Identifiers: ClinVar variation 2008381 (VCV002008381.4), dbSNP rs2493830192, ClinGen allele CA2580082026.

ClinVar aggregate classification (germline): Uncertain significance (1 of 4 stars; one submission).

Submission:

Labcorp Genetics (formerly Invitae), Labcorp
Classification: Uncertain significance. Last evaluated: 2022-06-23. Review status: criteria provided, single submitter. Criteria: Invitae Variant Classification Sherloc (09022015). Collection method: clinical testing. Allele origin: germline.
Comment: This variant is not present in population databases (gnomAD no frequency). This variant, c.870_914del, results in the deletion of 15 amino acid(s) of the ZMIZ1 protein (p.Ala291_Ala305del), but otherwise preserves the integrity of the reading frame. In summary, the available evidence is currently insufficient to determine the role of this variant in disease. Therefore, it has been classified as a Variant of Uncertain Significance. Experimental studies and prediction algorithms are not available or were not evaluated, and the functional significance of this variant is currently unknown. This variant has not been reported in the literature in individuals affected with ZMIZ1-related conditions.